The following is an entry in ClinVar:

ClinVar aggregate classification (germline): Uncertain significance (1 of 4 stars; one submission).

Submission:

Labcorp Genetics (formerly Invitae), Labcorp
Classification: Uncertain significance. Last evaluated: 2024-01-01. Review status: criteria provided, single submitter. Criteria: Invitae Variant Classification Sherloc (09022015). Collection method: clinical testing. Allele origin: germline.
Comment: This sequence change results in a frameshift in the IRF4 gene (p.Asn420Glnfs*111). While this is not anticipated to result in nonsense mediated decay, it is expected to disrupt the last 32 amino acid(s) of the IRF4 protein and extend the protein by 78 additional amino acid residues. This variant is not present in population databases (gnomAD no frequency). This variant has not been reported in the literature in individuals affected with IRF4-related conditions. Experimental studies and prediction algorithms are not available or were not evaluated, and the functional significance of this variant is currently unknown. In summary, the available evidence is currently insufficient to determine the role of this variant in disease. Therefore, it has been classified as a Variant of Uncertain Significance.

NM_002460.4(IRF4):c.1258_1259del (p.Asn420fs)

Gene: IRF4 (interferon regulatory factor 4; plus strand). Cytogenetic location: 6p25.3.
Variant type: Deletion.
Coding change: c.1258_1259del on transcript NM_002460.4 (MANE Select); coding-DNA positions 1258 to 1259, 2 bases deleted (AA; older notation c.1258_1259delAA).
Protein change: p.Asn420fs; shifts the reading frame from asparagine 420.
Molecular consequence: frameshift variant. On other transcripts: non-coding transcript variant (1).
Genome position (GRCh38, 1-based): chr6:407,500-407,501, AA deleted; deleting any 2 consecutive bases within chr6:407,498-407,501 gives the same sequence; the c. name uses the placement nearest the transcript's 3' end. VCF-style (leftmost placement, unchanged base first): chr6-407497-CAA-C. GRCh37 (hg19) VCF-style: chr6-407497-CAA-C.
Other names: c.1255_1256del, p.Asn419fs (NM_001195286.2); short protein forms N419fs, N420fs.
Identifiers: ClinVar variation 2706875 (VCV002706875.3), dbSNP rs2480839299, ClinGen allele CA2697546613.